The following is an entry in ClinVar:

ClinVar aggregate classification (germline): Likely benign (1 of 4 stars; one submission).

gnomAD v4.1: 2 of 1,614,224 alleles (0.00012%); highest among the groups gnomAD compares: African/African-American, 0.0013%; no homozygotes.

Submission:

CeGaT Center for Human Genetics Tuebingen
Classification: Likely benign. Last evaluated: 2025-02-01. Review status: criteria provided, single submitter. Criteria: CeGaT Center For Human Genetics Tuebingen Variant Classification Criteria Version 2. Collection method: clinical testing. Allele origin: germline. Affected: yes. Observed: 1 variant allele.
Comment: MAX: BP4, BP7

NM_002382.5(MAX):c.295+47C>T

Gene: MAX (MYC associated transcriptional regulator X; minus strand). Cytogenetic location: 14q23.3.
Variant type: single nucleotide variant.
Coding change: c.295+47C>T on transcript NM_002382.5 (MANE Select); 47 bases into the intron after coding-DNA position 295, C replaced by T.
Molecular consequence: intron variant.
Genome position (GRCh38, 1-based): chr14:65,077,866, G>A on the plus strand (C>T on the coding strand, the complement: MAX is on the minus strand). VCF-style: chr14-65077866-G-A. GRCh37 (hg19) VCF-style: chr14-65544584-G-A.
Other names: c.144+15842C>T (NM_001271069.2); c.171+15842C>T (NM_197957.4); c.-73+47C>T (NM_001407112.1, NM_001407111.1); c.21+47C>T (NM_001407106.1, NM_001407107.1, NM_001320415.2 and 1 more transcripts); c.268+47C>T (NM_001407095.1, NM_001407110.1, NM_001407102.1 and 6 more transcripts); c.295+47C>T (NM_001407094.1, NM_001407104.1, NM_001407103.1 and 3 more transcripts); c.187+47C>T (NM_001407098.1).
Identifiers: ClinVar variation 3772590 (VCV003772590.13).